The following is an entry in ClinVar:

NM_001369268.1(ACAN):c.7267G>A (p.Glu2423Lys)

Gene: ACAN (aggrecan; plus strand). Cytogenetic location: 15q26.1.
Variant type: single nucleotide variant.
Coding change: c.7267G>A on transcript NM_001369268.1 (MANE Select); coding-DNA position 7267, G replaced by A.
Protein change: p.Glu2423Lys; replaces glutamic acid 2423 with lysine.
Molecular consequence: missense variant.
Genome position (GRCh38, 1-based): chr15:88,872,050, G>A. VCF-style: chr15-88872050-G-A. GRCh37 (hg19) VCF-style: chr15-89415281-G-A.
Other names: c.7153G>A (NM_013227.3); c.7039G>A, p.Glu2347Lys (NM_001135.4, NM_001411096.1); c.7153G>A, p.Glu2385Lys (NM_001411097.1, NM_013227.4); short protein forms E2385K, E2347K, E2423K.
Identifiers: ClinVar variation 2137738 (VCV002137738.8), dbSNP rs1477219599, ClinGen allele CA393730209.

ClinVar aggregate classification (germline): Conflicting classifications of pathogenicity. Review status: criteria provided, conflicting classifications (1 of 4 stars). 4 submissions from 4 submitters: Likely pathogenic (1); Uncertain significance (3). Last evaluated 2024-09-04.

Conditions:
ACAN-related disorder. Also called: ACAN-related condition; ACAN-related disorders.
Short stature and advanced bone age, with or without early-onset osteoarthritis and/or osteochondritis dissecans (SSOAOD). Identifiers: Orphanet 251262, MedGen C3665488, MONDO:0100462, OMIM 165800.

Allele frequency attached by ClinVar (database versions not stated): gnomAD exomes below 0.00001; gnomAD 0.00001; TOPMed 0.00001.
gnomAD v4.1: 2 of 1,613,826 alleles (0.00012%); highest among the groups gnomAD compares: Non-Finnish European, 0.000085%; no homozygotes.

Submissions (4):

3billion
Classification: Uncertain significance for Short stature and advanced bone age, with or without early-onset osteoarthritis and/or osteochondritis dissecans. Last evaluated: 2024-09-04. Review status: criteria provided, single submitter. Criteria: ACMG Guidelines, 2015. Collection method: clinical testing. Allele origin: germline. Affected: yes.
Comment: The variant is observed at an extremely low frequency in the gnomAD v4.0.0 dataset (total allele frequency: <0.001%). Predicted Consequence/Location: The majority of the known disease-causing variants of this gene are variants expected to result in premature termination of the protein. The same nucleotide change resulting in the same amino acid change has been previously reported to be associated with ACAN related disorder (PMID: 27870580). However, the evidence of pathogenicity is insufficient at this time. Therefore, this variant is classified as VUS according to the recommendation of ACMG/AMP guideline.

Blueprint Genetics
Classification: Likely pathogenic for ACAN-related disorders. Last evaluated: 2024-06-28. Review status: criteria provided, single submitter. Criteria: ACMG Guidelines, 2015. Collection method: clinical testing. Allele origin: germline. Affected: yes. Observed: 2 variant alleles.

GeneDx
Classification: Uncertain significance. Last evaluated: 2024-05-25. Review status: criteria provided, single submitter. Criteria: GeneDx Variant Classification Process June 2021. Collection method: clinical testing. Allele origin: germline. Affected: yes.
Comment: Reported as heterozygous in a family with autosomal dominant short stature, but detailed clinical information was not provided and at least one family member who harbored the variant reportedly had normal stature (PMID: 27870580); In silico analysis supports that this missense variant has a deleterious effect on protein structure/function; This variant is associated with the following publications: (PMID: 34605228, 38613222, 27870580)

Labcorp Genetics (formerly Invitae), Labcorp
Classification: Uncertain significance. Last evaluated: 2022-02-14. Review status: criteria provided, single submitter. Criteria: Invitae Variant Classification Sherloc (09022015). Collection method: clinical testing. Allele origin: germline.
Comment: This sequence change replaces glutamic acid, which is acidic and polar, with lysine, which is basic and polar, at codon 2385 of the ACAN protein (p.Glu2385Lys). This variant is present in population databases (no rsID available, gnomAD 0.007%). In summary, the available evidence is currently insufficient to determine the role of this variant in disease. Therefore, it has been classified as a Variant of Uncertain Significance. Algorithms developed to predict the effect of missense changes on protein structure and function (SIFT, PolyPhen-2, Align-GVGD) all suggest that this variant is likely to be disruptive. This missense change has been observed in individual(s) with short stature (PMID: 27870580). It has also been observed to segregate with disease in related individuals.

Literature cited by the submitters: PubMed 27870580 (cited by 3billion and Labcorp Genetics (formerly Invitae), Labcorp).